The following is an entry in ClinVar:

ClinVar aggregate classification (germline): Benign. Review status: criteria provided, multiple submitters, no conflicts (2 of 4 stars). 2 submissions from 2 submitters: Benign (2). Last evaluated 2018-01-12.

Conditions:
Cataract 18 (CATC2). Also called: CATARACT 18, AUTOSOMAL RECESSIVE. Identifiers: Orphanet 91492, Orphanet 98991, Orphanet 98992, Orphanet 98995, MedGen C1864908, MONDO:0012395, OMIM 610019.

Allele frequency attached by ClinVar (database versions not stated): TOPMed 0.07157; gnomAD 0.07931 and 0.08697; 1000 Genomes Project 30x 0.10337; 1000 Genomes Project 0.10623.

Submissions (2):

Illumina Laboratory Services, Illumina
Classification: Benign for Cataract 18. Last evaluated: 2018-01-12. Review status: criteria provided, single submitter. Criteria: ICSL Variant Classification Criteria 13 December 2019. Collection method: clinical testing. Allele origin: germline.
Comment: This variant was observed in the ICSL laboratory as part of a predisposition screen in an ostensibly healthy population. It had not been previously curated by ICSL or reported in the Human Gene Mutation Database (HGMD: prior to June 1st, 2018), and was therefore a candidate for classification through an automated scoring system. Utilizing variant allele frequency, disease prevalence and penetrance estimates, and inheritance mode, an automated score was calculated to assess if this variant is too frequent to cause the disease. Based on the score and internal cut-off values, a variant classified as benign is not then subjected to further curation. The score for this variant resulted in a classification of benign for this disease.

Breakthrough Genomics
Classification: Benign. Review status: criteria provided, single submitter. Criteria: ACMG Guidelines, 2015. Collection method: not provided. Allele origin: germline. Inheritance: Autosomal recessive inheritance. Affected: yes.

NM_024513.4(FYCO1):c.*2611A>G

Gene: FYCO1 (FYVE and coiled-coil domain autophagy adaptor 1; minus strand). Cytogenetic location: 3p21.31.
Variant type: single nucleotide variant.
Coding change: c.*2611A>G on transcript NM_024513.4 (MANE Select); 2611 bases downstream of the stop codon, A replaced by G.
Molecular consequence: 3 prime UTR variant.
Genome position (GRCh38, 1-based): chr3:45,919,154, T>C on the plus strand (A>G on the coding strand, the complement: FYCO1 is on the minus strand). VCF-style: chr3-45919154-T-C. GRCh37 (hg19) VCF-style: chr3-45960646-T-C.
Identifiers: ClinVar variation 345457 (VCV000345457.6), dbSNP rs1994492, ClinGen allele CA10618680.